The following is an entry in ClinVar:

ClinVar aggregate classification (germline): Likely benign. Review status: criteria provided, multiple submitters, no conflicts (2 of 4 stars). 2 submissions from 2 submitters: Likely benign (2). Last evaluated 2020-08-31.

Conditions:
Hereditary cancer-predisposing syndrome. Also called: Hereditary Cancer Syndrome; Neoplastic Syndromes, Hereditary; Tumor predisposition; Hereditary neoplastic syndrome. Identifiers: Orphanet 140162, MedGen C0027672, MeSH D009386, MONDO:0015356.

Submissions (2):

Ambry Genetics
Classification: Likely benign for Hereditary cancer-predisposing syndrome. Last evaluated: 2020-08-31. Review status: criteria provided, single submitter. Criteria: Ambry Variant Classification Scheme 2023. Collection method: clinical testing. Allele origin: germline.

GeneDx
Classification: Likely benign. Last evaluated: 2017-10-30. Review status: criteria provided, single submitter. Criteria: GeneDx Variant Classification (06012015). Collection method: clinical testing. Allele origin: germline. Affected: yes.
Comment: This variant is considered likely benign or benign based on one or more of the following criteria: it is a conservative change, it occurs at a poorly conserved position in the protein, it is predicted to be benign by multiple in silico algorithms, and/or has population frequency not consistent with disease.

NM_000059.4(BRCA2):c.4590A>G (p.Lys1530=)

Gene: BRCA2 (BRCA2 DNA repair associated; plus strand). Cytogenetic location: 13q13.1.
Variant type: single nucleotide variant.
Coding change: c.4590A>G on transcript NM_000059.4 (MANE Select); coding-DNA position 4590, A replaced by G.
Protein change: p.Lys1530=; no amino-acid change (lysine 1530 retained).
Molecular consequence: synonymous variant.
Genome position (GRCh38, 1-based): chr13:32,338,945, A>G. VCF-style: chr13-32338945-A-G. GRCh37 (hg19) VCF-style: chr13-32913082-A-G.
Identifiers: ClinVar variation 513103 (VCV000513103.3), dbSNP rs879255452, ClinGen allele CA483438058.